The following is an entry in ClinVar:

ClinVar aggregate classification (germline): Uncertain significance. Review status: criteria provided, multiple submitters, no conflicts (2 of 4 stars). 2 submissions from 2 submitters: Uncertain significance (2). Last evaluated 2024-10-21.

Conditions:
Arrhythmogenic right ventricular dysplasia 12. Also called: ARRHYTHMOGENIC RIGHT VENTRICULAR DYSPLASIA, FAMILIAL, 12. Identifiers: MedGen C1969081, MONDO:0012684, OMIM 611528.
Naxos disease (NXD). Also called: KERATOSIS PALMOPLANTARIS WITH ARRHYTHMOGENIC CARDIOMYOPATHY; MAL DE NAXOS; PALMOPLANTAR KERATODERMA WITH ARRHYTHMOGENIC RIGHT VENTRICULAR CARDIOMYOPATHY AND WOOLLY HAIR; CARDIOMYOPATHY, ARRHYTHMOGENIC RIGHT VENTRICULAR, WITH SKIN, HAIR, AND NAIL ABNORMALITIES; WOOLLY HAIR, PALMOPLANTAR KERATODERMA, AND CARDIAC ABNORMALITIES. Identifiers: Orphanet 34217, MedGen C1832600, MONDO:0011017, OMIM 601214.

Allele frequency attached by ClinVar (database versions not stated): gnomAD exomes 0.00001 and 0.00004; ExAC 0.00003; TOPMed 0.00003; 1000 Genomes Project 30x 0.00016; 1000 Genomes Project 0.00020.
gnomAD v4.1: 13 of 1,613,260 alleles (0.00081%); highest among the groups gnomAD compares: East Asian, 0.029%; no homozygotes.

Submissions (2):

Labcorp Genetics (formerly Invitae), Labcorp
Classification: Uncertain significance for Arrhythmogenic right ventricular dysplasia 12; Naxos disease. Last evaluated: 2024-10-21. Review status: criteria provided, single submitter. Criteria: Invitae Variant Classification Sherloc (09022015). Collection method: clinical testing. Allele origin: germline.
Comment: This sequence change replaces isoleucine, which is neutral and non-polar, with methionine, which is neutral and non-polar, at codon 208 of the JUP protein (p.Ile208Met). This variant is present in population databases (rs566435665, gnomAD 0.05%). This variant has not been reported in the literature in individuals affected with JUP-related conditions. ClinVar contains an entry for this variant (Variation ID: 945547). An algorithm developed to predict the effect of missense changes on protein structure and function (PolyPhen-2) suggests that this variant is likely to be disruptive. In summary, the available evidence is currently insufficient to determine the role of this variant in disease. Therefore, it has been classified as a Variant of Uncertain Significance.

Women's Health and Genetics/Laboratory Corporation of America, LabCorp
Classification: Uncertain significance. Last evaluated: 2020-09-08. Review status: criteria provided, single submitter. Criteria: LabCorp Variant Classification Summary - May 2015. Collection method: clinical testing. Allele origin: germline.
Comment: Variant summary: JUP c.624C>G (p.Ile208Met) results in a conservative amino acid change in the encoded protein sequence. Three of five in-silico tools predict a damaging effect of the variant on protein function. The variant allele was found at a frequency of 3.6e-05 in 247174 control chromosomes. The available data on variant occurrences in the general population are insufficient to allow any conclusion about variant significance. To our knowledge, no occurrence of c.624C>G in individuals affected with Arrhythmogenic Right Ventricular Dysplasia/Cardiomyopathy and no experimental evidence demonstrating its impact on protein function have been reported. One clinical diagnostic laboratory has submitted clinical-significance assessments for this variant to ClinVar after 2014 without evidence for independent evaluation and classified the variant as uncertain significance. Based on the evidence outlined above, the variant was classified as uncertain significance.

NM_002230.4(JUP):c.624C>G (p.Ile208Met)

Gene: JUP (junction plakoglobin; minus strand). Cytogenetic location: 17q21.2.
Variant type: single nucleotide variant.
Coding change: c.624C>G on transcript NM_002230.4 (MANE Select); coding-DNA position 624, C replaced by G.
Protein change: p.Ile208Met; replaces isoleucine 208 with methionine.
Molecular consequence: missense variant.
Genome position (GRCh38, 1-based): chr17:41,769,052, G>C on the plus strand (C>G on the coding strand, the complement: JUP is on the minus strand). VCF-style: chr17-41769052-G-C. GRCh37 (hg19) VCF-style: chr17-39925304-G-C.
Other names: c.624C>G, p.Ile208Met (NM_001352773.2, NM_001352774.2, NM_001352775.2 and 3 more transcripts); short protein forms I208M.
Identifiers: ClinVar variation 945547 (VCV000945547.8), dbSNP rs566435665, ClinGen allele CA8565430.
Genomic context (GRCh38, chr17:41,769,052, plus strand): 5'-GATGCCACCCGACTTGAAGATGGCGAGCAGCCCCTCCCGGTGGTGGGAGAGGTTGTGCAG[G>C]ATGCTGGTGGTGCAGCGGGCTGTGTCCAGGTCGCTGGTATTCTGCATGGTACGCACGACA-3'
Protein context (NP_002221.1, residues 198-218): DLDTARCTTS[Ile208Met]LHNLSHHREG